The following is an entry in ClinVar:

ClinVar aggregate classification (germline): Conflicting classifications of pathogenicity. Review status: criteria provided, conflicting classifications (1 of 4 stars). 2 submissions from 2 submitters: Uncertain significance (1); Likely benign (1). Last evaluated 2026-07-10.

Conditions:
Tuberous sclerosis 1 (TSC1). Identifiers: Orphanet 805, MedGen C1854465, MONDO:0008612, OMIM 191100.
Hereditary cancer-predisposing syndrome. Also called: Hereditary Cancer Syndrome; Hereditary neoplastic syndrome; Neoplastic Syndromes, Hereditary; Tumor predisposition. Identifiers: Orphanet 140162, MedGen C0027672, MeSH D009386, MONDO:0015356.

Allele frequency attached by ClinVar (database versions not stated): gnomAD exomes 0.00001; TOPMed below 0.00001.

Submissions (2):

Ambry Genetics
Classification: Likely benign for Hereditary cancer-predisposing syndrome. Last evaluated: 2026-07-10. Review status: criteria provided, single submitter. Criteria: Ambry Variant Classification Scheme 2023. Collection method: clinical testing. Allele origin: germline.

Labcorp Genetics (formerly Invitae), Labcorp
Classification: Uncertain significance for Tuberous sclerosis 1. Last evaluated: 2023-06-29. Review status: criteria provided, single submitter. Criteria: Invitae Variant Classification Sherloc (09022015). Collection method: clinical testing. Allele origin: germline.
Comment: In summary, the available evidence is currently insufficient to determine the role of this variant in disease. Therefore, it has been classified as a Variant of Uncertain Significance. Advanced modeling of protein sequence and biophysical properties (such as structural, functional, and spatial information, amino acid conservation, physicochemical variation, residue mobility, and thermodynamic stability) performed at Invitae indicates that this missense variant is not expected to disrupt TSC1 protein function. This variant has not been reported in the literature in individuals affected with TSC1-related conditions. This variant is not present in population databases (gnomAD no frequency). This sequence change replaces methionine, which is neutral and non-polar, with leucine, which is neutral and non-polar, at codon 18 of the TSC1 protein (p.Met18Leu).

NM_000368.5(TSC1):c.52A>T (p.Met18Leu)

Gene: TSC1 (TSC complex subunit 1; minus strand). Cytogenetic location: 9q34.13.
Variant type: single nucleotide variant.
Coding change: c.52A>T on transcript NM_000368.5 (MANE Select); coding-DNA position 52, A replaced by T.
Protein change: p.Met18Leu; replaces methionine 18 with leucine.
Molecular consequence: missense variant. On other transcripts: 5 prime UTR variant (16), non-coding transcript variant (5), intron variant (2).
Genome position (GRCh38, 1-based): chr9:132,928,821, T>A on the plus strand (A>T on the coding strand, the complement: TSC1 is on the minus strand). VCF-style: chr9-132928821-T-A. GRCh37 (hg19) VCF-style: chr9-135804208-T-A.
Other names: c.52A>T, p.Met18Leu (NM_001162426.2, NM_001162427.2, NM_001406592.1 and 21 more transcripts); c.-208A>T (NM_001362177.2, NM_001406617.1, NM_001406619.1 and 3 more transcripts); c.-300A>T (NM_001406614.1); c.-437A>T (NM_001406615.1, NM_001406623.1); c.-404A>T (NM_001406616.1, NM_001406624.1); c.-826A>T (NM_001406626.1, NM_001406627.1, NM_001406628.1); c.-968A>T (NM_001406629.1); c.-1042A>T (NM_001406630.1); and 1 more; short protein forms M18L.
Identifiers: ClinVar variation 2896973 (VCV002896973.5), dbSNP rs762059806, ClinGen allele CA200902499.
Genomic context (GRCh38, chr9:132,928,821, plus strand): 5'-GCTAACCAGAATTGAGGTTCTCTTTAAAGACAGCTGTCACGTCGTCCCGCACACCCAGCA[T>A]GGGGGAGTCCAGCATGGCAAGAAGCTCCCCGACATTTGCTTGTTGGGCCATTCTCTCGCT-3'
Protein context (NP_000359.1, residues 8-28): GELLAMLDSP[Met18Leu]LGVRDDVTAV